The following is an entry in ClinVar:

NM_001605.3(AARS1):c.1998_1999del (p.Thr668fs)

Gene: AARS1 (alanyl-tRNA synthetase 1; minus strand). Cytogenetic location: 16q22.1.
Variant type: Deletion.
Coding change: c.1998_1999del on transcript NM_001605.3 (MANE Select); coding-DNA positions 1998 to 1999, 2 bases deleted (CT; older notation c.1998_1999delCT).
Protein change: p.Thr668fs; shifts the reading frame from threonine 668.
Molecular consequence: frameshift variant.
Genome position (GRCh38, 1-based): chr16:70,258,211-70,258,212, AG deleted on the plus strand (CT on the coding strand, the reverse complement: AARS1 is on the minus strand); deleting any 2 consecutive bases within chr16:70,258,211-70,258,213 gives the same sequence; the c. name uses the placement nearest the transcript's 3' end. VCF-style (leftmost placement, unchanged base first): chr16-70258210-TAG-T. GRCh37 (hg19) VCF-style: chr16-70292113-TAG-T.
Other names: c.1998_1999delCT (NM_001605.2); short protein forms T668fs.
Identifiers: ClinVar variation 648377 (VCV000648377.8), dbSNP rs1597435337, ClinGen allele CA915949341.

ClinVar aggregate classification (germline): Pathogenic (1 of 4 stars; one submission).

Conditions:
Charcot-Marie-Tooth disease type 2. Also called: Charcot-Marie-Tooth type 2. Identifiers: Orphanet 64746, MedGen C0270914, MONDO:0018993.

Submission:

Labcorp Genetics (formerly Invitae), Labcorp
Classification: Pathogenic for Charcot-Marie-Tooth disease type 2. Last evaluated: 2023-08-10. Review status: criteria provided, single submitter. Criteria: Invitae Variant Classification Sherloc (09022015). Collection method: clinical testing. Allele origin: germline.
Comment: For these reasons, this variant has been classified as Pathogenic. ClinVar contains an entry for this variant (Variation ID: 648377). This variant has not been reported in the literature in individuals affected with AARS-related conditions. This variant is not present in population databases (gnomAD no frequency). This sequence change creates a premature translational stop signal (p.Thr668Profs*19) in the AARS gene. It is expected to result in an absent or disrupted protein product. Loss-of-function variants in AARS are known to be pathogenic (PMID: 25817015, 28493438, 34446925).

Literature cited by the submitters: PubMed 25817015; PubMed 28493438; PubMed 34446925.